The following is an entry in ClinVar:

ClinVar aggregate classification (germline): Uncertain significance. Review status: criteria provided, multiple submitters, no conflicts (2 of 4 stars). 4 submissions from 4 submitters: Uncertain significance (4). Last evaluated 2022-09-07.

Conditions:
Microcephaly 1, primary, autosomal recessive (MCPH1). Also called: PREMATURE CHROMOSOME CONDENSATION SYNDROME; PCC SYNDROME; PREMATURE CHROMOSOME CONDENSATION WITH MICROCEPHALY AND MENTAL RETARDATION. Identifiers: Orphanet 2512, MedGen C1855081, MONDO:0009617, OMIM 251200.

Allele frequency attached by ClinVar (database versions not stated): gnomAD exomes 0.00002 and 0.00004; ExAC 0.00003; ESP Exome Variant Server 0.00008; gnomAD 0.00017 and 0.00018; TOPMed 0.00018.
gnomAD v4.1: 68 of 1,614,106 alleles (0.0042%); highest among the groups gnomAD compares: African/African-American, 0.075%; no homozygotes.

Submissions (4):

Labcorp Genetics (formerly Invitae), Labcorp
Classification: Uncertain significance. Last evaluated: 2022-09-07. Review status: criteria provided, single submitter. Criteria: Invitae Variant Classification Sherloc (09022015). Collection method: clinical testing. Allele origin: germline.
Comment: This sequence change replaces lysine, which is basic and polar, with glutamine, which is neutral and polar, at codon 259 of the MCPH1 protein (p.Lys259Gln). This variant is present in population databases (rs375695403, gnomAD 0.07%). This variant has not been reported in the literature in individuals affected with MCPH1-related conditions. ClinVar contains an entry for this variant (Variation ID: 284255). Algorithms developed to predict the effect of missense changes on protein structure and function are either unavailable or do not agree on the potential impact of this missense change (SIFT: "Not Available"; PolyPhen-2: "Probably Damaging"; Align-GVGD: "Not Available"). In summary, the available evidence is currently insufficient to determine the role of this variant in disease. Therefore, it has been classified as a Variant of Uncertain Significance.

Fulgent Genetics
Classification: Uncertain significance for Microcephaly 1, primary, autosomal recessive. Last evaluated: 2018-10-31. Review status: criteria provided, single submitter. Criteria: ACMG Guidelines, 2015. Collection method: clinical testing. Allele origin: unknown.

Illumina Laboratory Services, Illumina
Classification: Uncertain significance for Microcephaly 1, primary, autosomal recessive. Last evaluated: 2018-01-12. Review status: criteria provided, single submitter. Criteria: ICSL Variant Classification Criteria 13 December 2019. Collection method: clinical testing. Allele origin: germline.

Eurofins Ntd Llc (ga)
Classification: Uncertain significance. Last evaluated: 2017-11-01. Review status: criteria provided, single submitter. Criteria: EGL Classification Definitions 2015. Collection method: clinical testing. Allele origin: germline. Observed: 3 variant alleles, 3 heterozygotes.

NM_024596.5(MCPH1):c.775A>C (p.Lys259Gln)

Gene: MCPH1 (microcephalin 1; plus strand). Cytogenetic location: 8p23.1.
Variant type: single nucleotide variant.
Coding change: c.775A>C on transcript NM_024596.5 (MANE Select); coding-DNA position 775, A replaced by C.
Protein change: p.Lys259Gln; replaces lysine 259 with glutamine.
Molecular consequence: missense variant. On other transcripts: non-coding transcript variant (1).
Genome position (GRCh38, 1-based): chr8:6,444,497, A>C. VCF-style: chr8-6444497-A-C. GRCh37 (hg19) VCF-style: chr8-6302018-A-C.
Other names: c.775A>C, p.Lys259Gln (NM_001172574.2, NM_001322042.2, NM_001363979.1 and 1 more transcripts); c.631A>C, p.Lys211Gln (NM_001172575.2); c.769A>C, p.Lys257Gln (NM_001322043.2); c.673A>C, p.Lys225Gln (NM_001322045.2); short protein forms K259Q, K211Q, K225Q, K257Q.
Identifiers: ClinVar variation 284255 (VCV000284255.11), dbSNP rs375695403, ClinGen allele CA4610378.